The following is an entry in ClinVar:

ClinVar aggregate classification (germline): Benign (1 of 4 stars; one submission).

Allele frequency attached by ClinVar (database versions not stated): gnomAD exomes 0.16943; 1000 Genomes Project 0.21306; 1000 Genomes Project 30x 0.21830; gnomAD 0.24529 and 0.25289; TOPMed 0.24963.

Submission:

GeneDx
Classification: Benign. Last evaluated: 2018-06-16. Review status: criteria provided, single submitter. Criteria: GeneDx Variant Classification (06012015). Collection method: clinical testing. Allele origin: germline. Affected: yes.
Comment: This variant is considered likely benign or benign based on one or more of the following criteria: it is a conservative change, it occurs at a poorly conserved position in the protein, it is predicted to be benign by multiple in silico algorithms, and/or has population frequency not consistent with disease.

NM_001853.4(COL9A3):c.1323+138_1323+148del

Gene: COL9A3 (collagen type IX alpha 3 chain; plus strand). Cytogenetic location: 20q13.33.
Variant type: Deletion.
Coding change: c.1323+138_1323+148del on transcript NM_001853.4 (MANE Select); bases 138 to 148 of the intron after coding-DNA position 1323, 11 bases deleted (AGTCGCCCTTT).
Molecular consequence: intron variant.
Genome position (GRCh38, 1-based): chr20:62,832,327-62,832,337, AGTCGCCCTTT deleted. VCF-style (leftmost placement, unchanged base first): chr20-62832326-CAGTCGCCCTTT-C. GRCh37 (hg19) VCF-style: chr20-61463678-CAGTCGCCCTTT-C.
Identifiers: ClinVar variation 678467 (VCV000678467.1), dbSNP rs3215569, ClinGen allele CA317336819.